The following is an entry in ClinVar:

ClinVar aggregate classification (germline): Uncertain significance. Review status: criteria provided, multiple submitters, no conflicts (2 of 4 stars). 2 submissions from 2 submitters: Uncertain significance (2). Last evaluated 2025-10-27.

Conditions:
Supravalvar aortic stenosis (SVAS). Also called: Supravalvar aortic stenosis, Eisenberg type. Identifiers: Orphanet 3193, MedGen C0003499, MONDO:0008504, OMIM 185500, HP:0004381.

Allele frequency attached by ClinVar (database versions not stated): gnomAD 0.00003; gnomAD exomes 0.00003; TOPMed 0.00003; ExAC 0.00004; ESP Exome Variant Server 0.00008.
gnomAD v4.1: 43 of 1,613,998 alleles (0.0027%); highest among the groups gnomAD compares: Admixed American, 0.0033%; no homozygotes.

Submissions (2):

Labcorp Genetics (formerly Invitae), Labcorp
Classification: Uncertain significance for Supravalvar aortic stenosis. Last evaluated: 2025-10-27. Review status: criteria provided, single submitter. Criteria: Invitae Variant Classification Sherloc (09022015). Collection method: clinical testing. Allele origin: germline.
Comment: This sequence change replaces glycine, which is neutral and non-polar, with serine, which is neutral and polar, at codon 162 of the ELN protein (p.Gly162Ser). This variant is present in population databases (rs139718810, gnomAD 0.006%). This variant has not been reported in the literature in individuals affected with ELN-related conditions. ClinVar contains an entry for this variant (Variation ID: 1878968). Invitae Evidence Modeling of protein sequence and biophysical properties (such as structural, functional, and spatial information, amino acid conservation, physicochemical variation, residue mobility, and thermodynamic stability) indicates that this missense variant is not expected to disrupt ELN protein function with a negative predictive value of 80%. In summary, the available evidence is currently insufficient to determine the role of this variant in disease. Therefore, it has been classified as a Variant of Uncertain Significance.

GeneDx
Classification: Uncertain significance. Last evaluated: 2023-01-13. Review status: criteria provided, single submitter. Criteria: GeneDx Variant Classification Process June 2021. Collection method: clinical testing. Allele origin: germline. Affected: yes.
Comment: In silico analysis supports that this missense variant has a deleterious effect on protein structure/function; Has not been previously published as pathogenic or benign to our knowledge

NM_000501.4(ELN):c.484G>A (p.Gly162Ser)

Gene: ELN (elastin; plus strand). Cytogenetic location: 7q11.23.
Variant type: single nucleotide variant.
Coding change: c.484G>A on transcript NM_000501.4 (MANE Select); coding-DNA position 484, G replaced by A.
Protein change: p.Gly162Ser; replaces glycine 162 with serine.
Molecular consequence: missense variant. On other transcripts: intron variant (1).
Genome position (GRCh38, 1-based): chr7:74,045,236, G>A. VCF-style: chr7-74045236-G-A. GRCh37 (hg19) VCF-style: chr7-73459566-G-A.
Other names: c.454G>A, p.Gly152Ser (NM_001081752.3, NM_001278917.2); c.499G>A, p.Gly167Ser (NM_001081753.3, NM_001081754.3); c.484G>A, p.Gly162Ser (NM_001081755.3, NM_001278912.2, NM_001278915.2 and 2 more transcripts); c.448G>A, p.Gly150Ser (NM_001278913.2); c.469G>A, p.Gly157Ser (NM_001278914.2); c.439+1316G>A (NM_001278918.2); short protein forms G150S, G152S, G157S, G162S, G167S.
Identifiers: ClinVar variation 1878968 (VCV001878968.7), dbSNP rs139718810, ClinGen allele CA4292527.